The following is an entry in ClinVar:

NM_006059.4(LAMC3):c.3582G>T (p.Leu1194=)

Gene: LAMC3 (laminin subunit gamma 3; plus strand). Cytogenetic location: 9q34.12.
Variant type: single nucleotide variant.
Coding change: c.3582G>T on transcript NM_006059.4 (MANE Select); coding-DNA position 3582, G replaced by T.
Protein change: p.Leu1194=; no amino-acid change (leucine 1194 retained).
Molecular consequence: synonymous variant.
Genome position (GRCh38, 1-based): chr9:131,075,918, G>T. VCF-style: chr9-131075918-G-T. GRCh37 (hg19) VCF-style: chr9-133951305-G-T.
Other names: c.3582G>T (NM_006059.3).
Identifiers: ClinVar variation 1635932 (VCV001635932.10), dbSNP rs768461444, ClinGen allele CA5287856.

ClinVar aggregate classification (germline): Likely benign. Review status: criteria provided, single submitter (1 of 4 stars). 2 submissions from 2 submitters: Likely benign (1). 1 of the submissions does not count toward it. Last evaluated 2023-12-12.

Conditions:
LAMC3-related disorder. Also called: LAMC3-related condition.

Allele frequency attached by ClinVar (database versions not stated): gnomAD 0.00001; ExAC 0.00004; gnomAD exomes 0.00004.
gnomAD v4.1: 41 of 1,611,552 alleles (0.0025%); highest among the groups gnomAD compares: South Asian, 0.044%; 1 homozygote.

Submissions (2):

Labcorp Genetics (formerly Invitae), Labcorp
Classification: Likely benign. Last evaluated: 2023-12-12. Review status: criteria provided, single submitter. Criteria: Invitae Variant Classification Sherloc (09022015). Collection method: clinical testing. Allele origin: germline.

PreventionGenetics, part of Exact Sciences
Classification: Likely benign for LAMC3-related condition. Last evaluated: 2019-06-08. Review status: no assertion criteria provided. Collection method: clinical testing. Allele origin: germline. Not counted in ClinVar's aggregate classification.
Comment: This variant is classified as likely benign based on ACMG/AMP sequence variant interpretation guidelines (Richards et al. 2015 PMID: 25741868, with internal and published modifications).